The following is an entry in ClinVar:

NM_001458.5(FLNC):c.4387C>G (p.Gln1463Glu)

Gene: FLNC (filamin C; plus strand). Cytogenetic location: 7q32.1.
Variant type: single nucleotide variant.
Coding change: c.4387C>G on transcript NM_001458.5 (MANE Select); coding-DNA position 4387, C replaced by G.
Protein change: p.Gln1463Glu; replaces glutamine 1463 with glutamic acid.
Molecular consequence: missense variant.
Genome position (GRCh38, 1-based): chr7:128,847,795, C>G. VCF-style: chr7-128847795-C-G. GRCh37 (hg19) VCF-style: chr7-128487849-C-G.
Other names: c.4387C>G, p.Gln1463Glu (NM_001127487.2); c.4387C>G (NM_001458.4); short protein forms Q1463E.
Identifiers: ClinVar variation 1432594 (VCV001432594.7), dbSNP rs1808623920, ClinGen allele CA369201433.

ClinVar aggregate classification (germline): Uncertain significance. Review status: criteria provided, multiple submitters, no conflicts (2 of 4 stars). 2 submissions from 2 submitters: Uncertain significance (2). Last evaluated 2025-03-24.

Conditions:
Myofibrillar myopathy 5. Also called: FILAMINOPATHY, AUTOSOMAL DOMINANT; Filaminopathy (type). Identifiers: Orphanet 171445, MedGen C1836050, MONDO:0012289, OMIM 609524.
Hypertrophic cardiomyopathy 26. Also called: Cardiomyopathy, familial hypertrophic, 26. Identifiers: Orphanet 75249, MedGen C4310749, MONDO:0014883, OMIM 617047.
Distal myopathy with posterior leg and anterior hand involvement. Also called: WILLIAMS DISTAL MYOPATHY. Identifiers: Orphanet 63273, MedGen C3279722, MONDO:0013550, OMIM 614065.
Cardiovascular phenotype. Identifiers: MedGen CN230736.

Allele frequency attached by ClinVar (database versions not stated): TOPMed below 0.00001.

Submissions (2):

Labcorp Genetics (formerly Invitae), Labcorp
Classification: Uncertain significance for Distal myopathy with posterior leg and anterior hand involvement; Myofibrillar myopathy 5; Hypertrophic cardiomyopathy 26. Last evaluated: 2025-03-24. Review status: criteria provided, single submitter. Criteria: Invitae Variant Classification Sherloc (09022015). Collection method: clinical testing. Allele origin: germline.
Comment: This sequence change replaces glutamine, which is neutral and polar, with glutamic acid, which is acidic and polar, at codon 1463 of the FLNC protein (p.Gln1463Glu). This variant is not present in population databases (gnomAD no frequency). This variant has not been reported in the literature in individuals affected with FLNC-related conditions. ClinVar contains an entry for this variant (Variation ID: 1432594). Invitae Evidence Modeling of protein sequence and biophysical properties (such as structural, functional, and spatial information, amino acid conservation, physicochemical variation, residue mobility, and thermodynamic stability) has been performed for this missense variant. However, the output from this modeling did not meet the statistical confidence thresholds required to predict the impact of this variant on FLNC protein function. In summary, the available evidence is currently insufficient to determine the role of this variant in disease. Therefore, it has been classified as a Variant of Uncertain Significance.

Ambry Genetics
Classification: Uncertain significance for Cardiovascular phenotype. Last evaluated: 2025-01-06. Review status: criteria provided, single submitter. Criteria: Ambry Variant Classification Scheme 2023. Collection method: clinical testing. Allele origin: germline.
Comment: The p.Q1463E variant (also known as c.4387C>G), located in coding exon 25 of the FLNC gene, results from a C to G substitution at nucleotide position 4387. The glutamine at codon 1463 is replaced by glutamic acid, an amino acid with highly similar properties. This amino acid position is conserved. In addition, this alteration is predicted to be deleterious by in silico analysis. Based on the available evidence, the clinical significance of this variant remains unclear.